The following is an entry in ClinVar:

ClinVar aggregate classification (germline): Uncertain significance. Review status: criteria provided, multiple submitters, no conflicts (2 of 4 stars). 2 submissions from 2 submitters: Uncertain significance (2). Last evaluated 2025-07-09.

Conditions:
Hereditary cancer-predisposing syndrome. Also called: Hereditary neoplastic syndrome; Tumor predisposition; Neoplastic Syndromes, Hereditary; Hereditary Cancer Syndrome. Identifiers: Orphanet 140162, MedGen C0027672, MeSH D009386, MONDO:0015356.
Hereditary diffuse gastric adenocarcinoma (HDGC). Also called: DIFFUSE GASTRIC AND LOBULAR BREAST CANCER SYNDROME. Identifiers: Orphanet 26106, MedGen C1708349, MONDO:0007648, OMIM 137215.

Submissions (2):

Ambry Genetics
Classification: Uncertain significance for Hereditary cancer-predisposing syndrome. Last evaluated: 2025-07-09. Review status: criteria provided, single submitter. Criteria: Ambry Variant Classification Scheme 2023. Collection method: clinical testing. Allele origin: germline.
Comment: The p.R90P variant (also known as c.269G>C), located in coding exon 3 of the CDH1 gene, results from a G to C substitution at nucleotide position 269. The arginine at codon 90 is replaced by proline, an amino acid with dissimilar properties. This amino acid position is poorly conserved in available vertebrate species. In addition, this alteration is predicted to be tolerated by in silico analysis. Based on the available evidence, the clinical significance of this variant remains unclear.

Labcorp Genetics (formerly Invitae), Labcorp
Classification: Uncertain significance for Hereditary diffuse gastric adenocarcinoma. Last evaluated: 2019-11-25. Review status: criteria provided, single submitter. Criteria: Invitae Variant Classification Sherloc (09022015). Collection method: clinical testing. Allele origin: germline.
Comment: In summary, the available evidence is currently insufficient to determine the role of this variant in disease. Therefore, it has been classified as a Variant of Uncertain Significance. Algorithms developed to predict the effect of missense changes on protein structure and function (SIFT, PolyPhen-2, Align-GVGD) all suggest that this variant is likely to be tolerated, but these predictions have not been confirmed by published functional studies and their clinical significance is uncertain. This variant has not been reported in the literature in individuals with CDH1-related conditions. This variant is not present in population databases (ExAC no frequency). This sequence change replaces arginine with proline at codon 90 of the CDH1 protein (p.Arg90Pro). The arginine residue is weakly conserved and there is a moderate physicochemical difference between arginine and proline.

NM_004360.5(CDH1):c.269G>C (p.Arg90Pro)

Gene: CDH1 (cadherin 1; plus strand). Cytogenetic location: 16q22.1.
Variant type: single nucleotide variant.
Coding change: c.269G>C on transcript NM_004360.5 (MANE Select); coding-DNA position 269, G replaced by C.
Protein change: p.Arg90Pro; replaces arginine 90 with proline.
Molecular consequence: missense variant. On other transcripts: 5 prime UTR variant (2).
Genome position (GRCh38, 1-based): chr16:68,801,775, G>C. VCF-style: chr16-68801775-G-C. GRCh37 (hg19) VCF-style: chr16-68835678-G-C.
Other names: c.269G>C, p.Arg90Pro (NM_001317184.2); c.-1347G>C (NM_001317185.2); c.-1551G>C (NM_001317186.2); short protein forms R90P.
Identifiers: ClinVar variation 854730 (VCV000854730.11), dbSNP rs587782647, ClinGen allele CA396457273.
Genomic context (GRCh38, chr16:68,801,775, plus strand): 5'-CCCTCGACACCCGATTCAAAGTGGGCACAGATGGTGTGATTACAGTCAAAAGGCCTCTAC[G>C]GTTTCATAACCCACAGATCCATTTCTTGGTCTACGCCTGGGACTCCACCTACAGAAAGTT-3'
Protein context (NP_004351.1, residues 80-100): DGVITVKRPL[Arg90Pro]FHNPQIHFLV